The following is an entry in ClinVar:

ClinVar aggregate classification (germline): Pathogenic (1 of 4 stars; one submission).

Submission:

Labcorp Genetics (formerly Invitae), Labcorp
Classification: Pathogenic. Last evaluated: 2021-11-01. Review status: criteria provided, single submitter. Criteria: Invitae Variant Classification Sherloc (09022015). Collection method: clinical testing. Allele origin: germline.
Comment: For these reasons, this variant has been classified as Pathogenic. This variant disrupts a region of the PCDH15 protein in which other variant(s) (p.Gln1576*) have been determined to be pathogenic (PMID: 28281779). This suggests that this is a clinically significant region of the protein, and that variants that disrupt it are likely to be disease-causing. Algorithms developed to predict the effect of sequence changes on RNA splicing suggest that this variant may create or strengthen a splice site. This variant has not been reported in the literature in individuals affected with PCDH15-related conditions. This variant is present in population databases (rs779857486, gnomAD no frequency). This sequence change creates a premature translational stop signal (p.Asp1550Ilefs*11) in the PCDH15 gene. While this is not anticipated to result in nonsense mediated decay, it is expected to disrupt the last 406 amino acid(s) of the PCDH15 protein.

Literature cited by the submitters: PubMed 28281779.

NM_033056.4(PCDH15):c.4616_4647dup (p.Asp1550delinsIleGlnThrPheHisArgGluGlnIleLeuTer)

Gene: PCDH15 (protocadherin related 15; minus strand). Cytogenetic location: 10q21.1.
Variant type: Duplication.
Coding change: c.4616_4647dup on transcript NM_033056.4 (MANE Plus Clinical); coding-DNA positions 4616 to 4647, 32 bases duplicated.
Protein change: p.Asp1550delinsIleGlnThrPheHisArgGluGlnIleLeuTer.
Molecular consequence: nonsense. On other transcripts: intron variant (8).
Genome position (GRCh38, 1-based): chr10:53,823,079-53,823,110, 32 bases duplicated; duplicating any 32 consecutive bases within chr10:53,823,079-53,823,111 gives the same sequence; the c. name uses the placement nearest the transcript's 3' end. GRCh37 (hg19): chr10:55,582,840-55,582,871.
Other names: c.4496_4527dup, p.Asp1510delinsIleGlnThrPheHisArgGluGlnIleLeuTer (NM_001142767.2); c.4556_4587dup, p.Asp1530delinsIleGlnThrPheHisArgGluGlnIleLeuTer (NM_001142768.2); c.4547_4578dup, p.Asp1527delinsIleGlnThrPheHisArgGluGlnIleLeuTer (NM_001142773.2); c.4550_4581dup, p.Asp1528delinsIleGlnThrPheHisArgGluGlnIleLeuTer (NM_001354404.2); c.4367+4283_4367+4314dup (NM_001354420.2, NM_001354429.2); c.4368-2880_4368-2849dup (NM_001384140.1); c.4373+2026_4373+2057dup (NM_001142772.2, NM_001142770.3); c.4388+2026_4388+2057dup (NM_001142771.2); and 6 more.
Identifiers: ClinVar variation 1371565 (VCV001371565.6), dbSNP rs779857486, ClinGen allele CA5505227.